The following is an entry in ClinVar:

ClinVar aggregate classification (germline): Uncertain significance (1 of 4 stars; one submission).

Submission:

Women's Health and Genetics/Laboratory Corporation of America, LabCorp
Classification: Uncertain significance. Last evaluated: 2024-08-26. Review status: criteria provided, single submitter. Criteria: LabCorp Variant Classification Summary - May 2015. Collection method: clinical testing. Allele origin: germline.
Comment: Variant summary: MYH2 c.575T>A (p.Val192Asp) results in a non-conservative amino acid change located in the Myosin head, motor domain (IPR001609) of the encoded protein sequence. Five of five in-silico tools predict a damaging effect of the variant on protein function. The variant was absent in 251398 control chromosomes. The available data on variant occurrences in the general population are insufficient to allow any conclusion about variant significance. To our knowledge, no occurrence of c.575T>A in individuals affected with Myopathy, Proximal, And Ophthalmoplegia and no experimental evidence demonstrating its impact on protein function have been reported. No submitters have cited clinical-significance assessments for this variant to ClinVar. Based on the evidence outlined above, the variant was classified as uncertain significance.

NM_017534.6(MYH2):c.575T>A (p.Val192Asp)

Genes: MYH2 (myosin heavy chain 2; minus strand), MYHAS (myosin heavy chain gene cluster antisense RNA; plus strand), LOC126862501 (CDK7 strongly-dependent group 2 enhancer GRCh37_chr17:10446256-10447455; plus strand). Cytogenetic location: 17p13.1.
Variant type: single nucleotide variant.
Coding change: c.575T>A on transcript NM_017534.6 (MANE Select); coding-DNA position 575, T replaced by A.
Protein change: p.Val192Asp; replaces valine 192 with aspartic acid.
Molecular consequence: missense variant.
Genome position (GRCh38, 1-based): chr17:10,543,975, A>T on the plus strand (T>A on the coding strand, the complement: MYH2 is on the minus strand). VCF-style: chr17-10543975-A-T. GRCh37 (hg19) VCF-style: chr17-10447292-A-T.
Other names: c.575T>A, p.Val192Asp (NM_001100112.2); short protein forms V192D.
Identifiers: ClinVar variation 3366606 (VCV003366606.1).